The following is an entry in ClinVar:

NM_130384.3(ATRIP):c.2302T>G (p.Cys768Gly)

Genes: ATRIP (ATR interacting protein; plus strand), ATRIP-TREX1 (ATRIP-TREX1 readthrough; plus strand). Cytogenetic location: 3p21.31.
Variant type: single nucleotide variant.
Coding change: c.2302T>G on transcript NM_130384.3 (MANE Select); coding-DNA position 2302, T replaced by G.
Protein change: p.Cys768Gly; replaces cysteine 768 with glycine.
Molecular consequence: missense variant. On other transcripts: non-coding transcript variant (1).
Genome position (GRCh38, 1-based): chr3:48,465,077, T>G. VCF-style: chr3-48465077-T-G. GRCh37 (hg19) VCF-style: chr3-48506476-T-G.
Other names: c.2023T>G, p.Cys675Gly (NM_001271023.2); c.2221T>G, p.Cys741Gly (NM_032166.4); c.1921T>G, p.Cys641Gly (NM_001271022.2); short protein forms C768G, C641G, C675G, C741G.
Identifiers: ClinVar variation 2052879 (VCV002052879.5), dbSNP rs145758060, ClinGen allele CA2376450.

ClinVar aggregate classification (germline): Uncertain significance. Review status: criteria provided, multiple submitters, no conflicts (2 of 4 stars). 2 submissions from 2 submitters: Uncertain significance (2). Last evaluated 2024-12-30.

Allele frequency attached by ClinVar (database versions not stated): ExAC 0.00008; gnomAD 0.00010; TOPMed 0.00011; ESP Exome Variant Server 0.00015; gnomAD exomes 0.00026.
gnomAD v4.1: 376 of 1,607,254 alleles (0.023%); highest among the groups gnomAD compares: Non-Finnish European, 0.031%; 1 homozygote.

Submissions (3):

Ambry Genetics
Classification: Uncertain significance. Last evaluated: 2024-12-30. Review status: criteria provided, single submitter. Criteria: Ambry Variant Classification Scheme 2023. Collection method: clinical testing. Allele origin: germline.
Comment: The p.C768G variant (also known as c.2302T>G), located in coding exon 12 of the ATRIP gene, results from a T to G substitution at nucleotide position 2302. The cysteine at codon 768 is replaced by glycine, an amino acid with highly dissimilar properties. This amino acid position is well conserved in available vertebrate species. In addition, this alteration is predicted to be tolerated by in silico analysis. The evidence for this gene-disease relationship is limited; therefore, the clinical significance of this alteration is unclear.

Labcorp Genetics (formerly Invitae), Labcorp
Classification: Uncertain significance. Last evaluated: 2024-11-10. Review status: criteria provided, single submitter. Criteria: Invitae Variant Classification Sherloc (09022015). Collection method: clinical testing. Allele origin: germline.
Comment: This sequence change replaces cysteine, which is neutral and slightly polar, with glycine, which is neutral and non-polar, at codon 768 of the ATRIP protein (p.Cys768Gly). This variant is present in population databases (rs145758060, gnomAD 0.01%). This variant has not been reported in the literature in individuals affected with ATRIP-related conditions. ClinVar contains an entry for this variant (Variation ID: 2052879). An algorithm developed to predict the effect of missense changes on protein structure and function (PolyPhen-2) suggests that this variant is likely to be disruptive. In summary, the available evidence is currently insufficient to determine the role of this variant in disease. Therefore, it has been classified as a Variant of Uncertain Significance.

Dr. Peter K. Rogan Lab, Western University
No classification provided (evidence only). Condition: Lung cancer. Review status: no classification provided. Collection method: in vitro. Allele origin: not applicable. Functional consequence: retained intron. Not counted in ClinVar's aggregate classification.